The following is an entry in ClinVar:

ClinVar aggregate classification (germline): Pathogenic (1 of 4 stars; one submission).

Conditions:
EPILEPSY, CHILDHOOD ABSENCE, SUSCEPTIBILITY TO, 2 (ECA2). Identifiers: Orphanet 64280, MedGen C1843244, OMIM 607681.
Febrile seizures, familial, 8 (FEB8). Also called: CONVULSIONS, FAMILIAL FEBRILE, 8. Identifiers: Orphanet 36387, MedGen C1969810, MONDO:0011891, OMIM 607681.

Submission:

Labcorp Genetics (formerly Invitae), Labcorp
Classification: Pathogenic for Febrile seizures, familial, 8; EPILEPSY, CHILDHOOD ABSENCE, SUSCEPTIBILITY TO, 2. Last evaluated: 2023-10-29. Review status: criteria provided, single submitter. Criteria: Invitae Variant Classification Sherloc (09022015). Collection method: clinical testing. Allele origin: germline.
Comment: This sequence change creates a premature translational stop signal (p.Tyr77*) in the GABRG2 gene. It is expected to result in an absent or disrupted protein product. Loss-of-function variants in GABRG2 are known to be pathogenic (PMID: 22539854, 22750526, 24407264). This variant is not present in population databases (gnomAD no frequency). This variant has not been reported in the literature in individuals affected with GABRG2-related conditions. For these reasons, this variant has been classified as Pathogenic.

Literature cited by the submitters: PubMed 22539854; PubMed 22750526; PubMed 24407264.

NM_198904.4(GABRG2):c.230_231del (p.Gly76_Tyr77insTer)

Gene: GABRG2 (gamma-aminobutyric acid type A receptor subunit gamma2; plus strand). Cytogenetic location: 5q34.
Variant type: Microsatellite.
Coding change: c.230_231del on transcript NM_198904.4 (MANE Select); coding-DNA positions 230 to 231, 2 bases deleted (AT; older notation c.230_231delAT).
Protein change: p.Gly76_Tyr77insTer.
Molecular consequence: nonsense. On other transcripts: 5 prime UTR variant (3).
Genome position (GRCh38, 1-based): chr5:162,093,950-162,093,951, AT deleted; deleting any 2 consecutive bases within chr5:162,093,948-162,093,951 gives the same sequence; the c. name uses the placement nearest the transcript's 3' end. VCF-style (leftmost placement, unchanged base first): chr5-162093947-GAT-G. GRCh37 (hg19) VCF-style: chr5-161520953-GAT-G.
Other names: c.230_231del, p.Gly76_Tyr77insTer (NM_000816.3, NM_001375340.1, NM_001375341.1 and 4 more transcripts); c.221_222del, p.Gly73_Tyr74insTer (NM_001375339.1); c.164_165del, p.Gly54_Tyr55insTer (NM_001375345.1, NM_001375346.1); c.143_144del, p.Gly47_Tyr48insTer (NM_001375347.1); c.-131AT[1] (NM_001375348.1, NM_001375350.1); c.-58AT[1] (NM_001375349.1).
Identifiers: ClinVar variation 2946881 (VCV002946881.3), dbSNP rs2532553590, ClinGen allele CA2740094165.